The following is an entry in ClinVar:

NM_001354604.2(MITF):c.1353G>A (p.Thr451=)

Gene: MITF (melanocyte inducing transcription factor; plus strand). Cytogenetic location: 3p13.
Variant type: single nucleotide variant.
Coding change: c.1353G>A on transcript NM_001354604.2 (MANE Select); coding-DNA position 1353, G replaced by A.
Protein change: p.Thr451=; no amino-acid change (threonine 451 retained).
Molecular consequence: synonymous variant.
Genome position (GRCh38, 1-based): chr3:69,965,020, G>A. VCF-style: chr3-69965020-G-A. GRCh37 (hg19) VCF-style: chr3-70014171-G-A.
Other names: c.1032G>A, p.Thr344= (NM_000248.4); c.1179G>A, p.Thr393= (NM_001184967.2, NM_001354608.2); c.1350G>A, p.Thr450= (NM_001354605.2); c.1332G>A, p.Thr444= (NM_001354606.2, NM_006722.3); c.1284G>A, p.Thr428= (NM_001354607.2); c.1014G>A, p.Thr338= (NM_198158.3); c.1335G>A, p.Thr445= (NM_198159.3); c.1287G>A, p.Thr429= (NM_198177.3); and 1 more.
Identifiers: ClinVar variation 2180671 (VCV002180671.6), dbSNP rs774944729, ClinGen allele CA2490648.

ClinVar aggregate classification (germline): Conflicting classifications of pathogenicity. Review status: criteria provided, conflicting classifications (1 of 4 stars). 2 submissions from 2 submitters: Uncertain significance (1); Likely benign (1). Last evaluated 2026-01-28.

Conditions:
Waardenburg syndrome type 2A (WS2A). Also called: WAARDENBURG SYNDROME WITHOUT DYSTOPIA CANTHORUM. Identifiers: Orphanet 3440, MedGen C1860339, MONDO:0008671, OMIM 193510.
Tietz syndrome (TADS). Also called: TIETZ ALBINISM-DEAFNESS SYNDROME; HYPOPIGMENTATION/DEAFNESS OF TIETZ; ALBINISM-DEAFNESS OF TIETZ. Identifiers: Orphanet 42665, MedGen C0391816, MONDO:0007077, OMIM 103500.
Melanoma, cutaneous malignant, susceptibility to, 8. Also called: Cutaneous malignant melanoma 8; MELANOMA AND RENAL CELL CARCINOMA, SUSCEPTIBILITY TO. Identifiers: Orphanet 293822, MedGen C3152204, MONDO:0013759, OMIM 614456.

Allele frequency attached by ClinVar (database versions not stated): gnomAD 0.00001.
gnomAD v4.1: 25 of 1,613,902 alleles (0.0015%); highest among the groups gnomAD compares: East Asian, 0.0022%; no homozygotes.

Submissions (2):

Labcorp Genetics (formerly Invitae), Labcorp
Classification: Likely benign for Melanoma, cutaneous malignant, susceptibility to, 8; Waardenburg syndrome type 2A; Tietz syndrome. Last evaluated: 2026-01-28. Review status: criteria provided, single submitter. Criteria: Invitae Variant Classification Sherloc (09022015). Collection method: clinical testing. Allele origin: germline.

GeneDx
Classification: Uncertain significance. Last evaluated: 2024-05-23. Review status: criteria provided, single submitter. Criteria: GeneDx Variant Classification Process June 2021. Collection method: clinical testing. Allele origin: germline. Affected: yes.
Comment: Has not been previously published as pathogenic or benign to our knowledge; In silico analysis suggests this variant may impact gene splicing. In the absence of RNA/functional studies, the actual effect of this sequence change is unknown.